The following is an entry in ClinVar:

ClinVar aggregate classification (germline): Uncertain significance (1 of 4 stars; one submission).

Conditions:
Neurofibromatosis, type 1 (NF1). Also called: VON RECKLINGHAUSEN DISEASE; NEUROFIBROMATOSIS, TYPE I, SOMATIC; Neurofibromatosis, type I; Peripheral type neurofibromatosis. Identifiers: Orphanet 636, MedGen C0027831, MONDO:0018975, OMIM 162200. Disease mechanism: loss of function.

gnomAD v4.1: 1 of 1,612,518 alleles (0.000062%); highest among the groups gnomAD compares: Non-Finnish European, 0.000085%; no homozygotes.

Submission:

Labcorp Genetics (formerly Invitae), Labcorp
Classification: Uncertain significance for Neurofibromatosis, type 1. Last evaluated: 2022-09-28. Review status: criteria provided, single submitter. Criteria: Invitae Variant Classification Sherloc (09022015). Collection method: clinical testing. Allele origin: germline.
Comment: In summary, the available evidence is currently insufficient to determine the role of this variant in disease. Therefore, it has been classified as a Variant of Uncertain Significance. Algorithms developed to predict the effect of sequence changes on RNA splicing suggest that this variant may disrupt the consensus splice site. This variant has not been reported in the literature in individuals affected with NF1-related conditions. This variant is not present in population databases (gnomAD no frequency). This sequence change falls in intron 8 of the NF1 gene. It does not directly change the encoded amino acid sequence of the NF1 protein.

NM_001042492.3(NF1):c.889-18T>G

Gene: NF1 (neurofibromin 1; plus strand). Cytogenetic location: 17q11.2.
Variant type: single nucleotide variant.
Coding change: c.889-18T>G on transcript NM_001042492.3 (MANE Select); 18 bases into the intron before coding-DNA position 889, T replaced by G.
Molecular consequence: intron variant.
Genome position (GRCh38, 1-based): chr17:31,200,404, T>G. VCF-style: chr17-31200404-T-G. GRCh37 (hg19) VCF-style: chr17-29527422-T-G.
Other names: c.889-18T>G (NM_000267.4, NM_001128147.3).
Identifiers: ClinVar variation 2184492 (VCV002184492.4), dbSNP rs775756655, ClinGen allele CA2580092772.